The following is an entry in ClinVar:

ClinVar aggregate classification (germline): Uncertain significance (1 of 4 stars; one submission).

Conditions:
Severe combined immunodeficiency due to IKK2 deficiency. Also called: Immunodeficiency 15; IMMUNODEFICIENCY 15B. Identifiers: Orphanet 397787, MedGen C4747743, MONDO:0014267, OMIM 615592.

Submission:

Labcorp Genetics (formerly Invitae), Labcorp
Classification: Uncertain significance for Severe combined immunodeficiency due to IKK2 deficiency. Last evaluated: 2022-05-16. Review status: criteria provided, single submitter. Criteria: Invitae Variant Classification Sherloc (09022015). Collection method: clinical testing. Allele origin: germline.
Comment: In summary, the available evidence is currently insufficient to determine the role of this variant in disease. Therefore, it has been classified as a Variant of Uncertain Significance. Algorithms developed to predict the effect of sequence changes on RNA splicing suggest that this variant may disrupt the consensus splice site. This variant has not been reported in the literature in individuals affected with IKBKB-related conditions. This variant is not present in population databases (gnomAD no frequency). This sequence change affects codon 616 of the IKBKB mRNA. It is a 'silent' change, meaning that it does not change the encoded amino acid sequence of the IKBKB protein.

NM_001556.3(IKBKB):c.1848G>A (p.Val616=)

Gene: IKBKB (inhibitor of nuclear factor kappa B kinase subunit beta; plus strand). Cytogenetic location: 8p11.21.
Variant type: single nucleotide variant.
Coding change: c.1848G>A on transcript NM_001556.3 (MANE Select); coding-DNA position 1848, G replaced by A.
Protein change: p.Val616=; no amino-acid change (valine 616 retained).
Molecular consequence: synonymous variant. On other transcripts: non-coding transcript variant (3).
Genome position (GRCh38, 1-based): chr8:42,322,356, G>A. VCF-style: chr8-42322356-G-A. GRCh37 (hg19) VCF-style: chr8-42179874-G-A.
Other names: c.1656G>A, p.Val552= (NM_001190720.3); c.1671G>A, p.Val557= (NM_001242778.2).
Identifiers: ClinVar variation 1995220 (VCV001995220.4), dbSNP rs2487739458, ClinGen allele CA460556836.